The following is an entry in ClinVar:

ClinVar aggregate classification (germline): Uncertain significance. Review status: criteria provided, multiple submitters, no conflicts (2 of 4 stars). 2 submissions from 2 submitters: Uncertain significance (2). Last evaluated 2025-12-08.

gnomAD v4.1: 33 of 1,614,112 alleles (0.002%); highest among the groups gnomAD compares: Admixed American, 0.0017%; no homozygotes.

Submissions (2):

Labcorp Genetics (formerly Invitae), Labcorp
Classification: Uncertain significance. Last evaluated: 2025-12-08. Review status: criteria provided, single submitter. Criteria: Invitae Variant Classification Sherloc (09022015). Collection method: clinical testing. Allele origin: germline.
Comment: This sequence change replaces arginine, which is basic and polar, with glycine, which is neutral and non-polar, at codon 793 of the SLCO5A1 protein (p.Arg793Gly). This variant is present in population databases (rs376365686, gnomAD 0.04%). This variant has not been reported in the literature in individuals affected with SLCO5A1-related conditions. ClinVar contains an entry for this variant (Variation ID: 3957970). An algorithm developed to predict the effect of missense changes on protein structure and function (PolyPhen-2) suggests that this variant is likely to be tolerated. In summary, the available evidence is currently insufficient to determine the role of this variant in disease. Therefore, it has been classified as a Variant of Uncertain Significance.

Ambry Genetics
Classification: Uncertain significance. Last evaluated: 2025-05-13. Review status: criteria provided, single submitter. Criteria: Ambry Variant Classification Scheme 2023. Collection method: clinical testing. Allele origin: germline.

NM_030958.3(SLCO5A1):c.2377A>G (p.Arg793Gly)

Gene: SLCO5A1 (solute carrier organic anion transporter family member 5A1; minus strand). Cytogenetic location: 8q13.3.
Variant type: single nucleotide variant.
Coding change: c.2377A>G on transcript NM_030958.3 (MANE Select); coding-DNA position 2377, A replaced by G.
Protein change: p.Arg793Gly; replaces arginine 793 with glycine.
Molecular consequence: missense variant. On other transcripts: 3 prime UTR variant (1).
Genome position (GRCh38, 1-based): chr8:69,673,039, T>C on the plus strand (A>G on the coding strand, the complement: SLCO5A1 is on the minus strand). VCF-style: chr8-69673039-T-C. GRCh37 (hg19) VCF-style: chr8-70585274-T-C.
Other names: c.*248A>G (NM_001146008.2); c.2212A>G, p.Arg738Gly (NM_001146009.1); short protein forms R738G, R793G.
Identifiers: ClinVar variation 3957970 (VCV003957970.2).